The following is an entry in ClinVar:

NM_000180.4(GUCY2D):c.2384G>A (p.Arg795Gln)

Gene: GUCY2D (guanylate cyclase 2D, retinal; plus strand). Cytogenetic location: 17p13.1.
Variant type: single nucleotide variant.
Coding change: c.2384G>A on transcript NM_000180.4 (MANE Select); coding-DNA position 2384, G replaced by A.
Protein change: p.Arg795Gln; replaces arginine 795 with glutamine.
Molecular consequence: missense variant.
Genome position (GRCh38, 1-based): chr17:8,014,000, G>A. VCF-style: chr17-8014000-G-A. GRCh37 (hg19) VCF-style: chr17-7917318-G-A.
Other names: NM_000180.4(GUCY2D):c.2384G>A; p.Arg795Gln; short protein forms R795Q.
Identifiers: ClinVar variation 596790 (VCV000596790.13), dbSNP rs61750171, ClinGen allele CA8366103.

ClinVar aggregate classification (germline): Likely pathogenic. Review status: reviewed by expert panel (3 of 4 stars). 9 submissions from 9 submitters: Likely pathogenic (1). 8 of the submissions do not count toward it. Last evaluated 2025-01-30.

Conditions:
GUCY2D-related recessive retinopathy. Also called: Recessive GUCY2D retinopathy. Identifiers: MedGen CN305603, MONDO:0100453.
Cone-rod dystrophy 6 (CORD6). Also called: Cone dystrophy progressive; RETINAL CONE DYSTROPHY 2. Identifiers: Orphanet 1872, MedGen C1866293, MONDO:0011143, OMIM 601777.
Leber congenital amaurosis 1 (LCA1). Also called: Congenital absence of the rods and cones; Leber's congenital tapetoretinal degeneration; Leber's congenital tapetoretinal dysplasia; AMAUROSIS CONGENITA OF LEBER I; RETINAL BLINDNESS, CONGENITAL. Identifiers: Orphanet 65, MedGen C2931258, MONDO:0008764, OMIM 204000.
Choroidal dystrophy, central areolar, 1. Identifiers: Orphanet 75377, MedGen C4551884, MONDO:0024539, OMIM 215500.
Night blindness, congenital stationary, type1i. Also called: NIGHT BLINDNESS, CONGENITAL STATIONARY, TYPE 1I. Identifiers: MedGen C5231408, MONDO:0032811, OMIM 618555.
Leber congenital amaurosis (LCA). Also called: Leber's amaurosis. Identifiers: Orphanet 65, MedGen C0339527, MeSH D057130, MONDO:0018998.
Retinal disorder. Also called: Retinopathy; Retinopathies; Retinal Diseases; Retinal disorders. Identifiers: MedGen C0035309, MONDO:0005283, HP:0000488.
GUCY2D-related disorders.
Retinal dystrophy. Also called: Inherited retinal dystrophy. Identifiers: Orphanet 71862, MedGen C0854723, MeSH D058499, MONDO:0019118, HP:0000556.

Allele frequency attached by ClinVar (database versions not stated): ExAC below 0.00001; gnomAD 0.00001 and 0.00002; gnomAD exomes 0.00001; TOPMed 0.00001; 1000 Genomes Project 30x 0.00016.
gnomAD v4.1: 16 of 1,613,582 alleles (0.00099%); highest among the groups gnomAD compares: Non-Finnish European, 0.0013%; no homozygotes.

Submissions (9):

ClinGen Leber Congenital Amaurosis/early Onset Retinal Dystrophy Variant Curation Expert Panel, ClinGen
Classification: Likely pathogenic for GUCY2D-related recessive retinopathy. Last evaluated: 2025-01-30. Review status: reviewed by expert panel. Criteria: ClinGen LCAeoRD ACMG Specifications GUCY2D V1.0.0. Collection method: curation. Allele origin: germline. Inheritance: Autosomal recessive inheritance.
Comment: NM_000180.4(GUCY2D):c.2384G>A (p.Arg795Gln) is a missense variant that replaces arginine with glutamine at position p.795. This variant is present in gnomAD v4.1.0 at a total allele frequency of 0.000009916, with 16 alleles / 1,613,582 total alleles, which is lower than the ClinGen LCA/eoRD VCEP PM2_Supporting threshold of <0.0004 (PM2_Supporting). This variant has been reported in at least 2 unrelated probands with early-onset severe retinal dystrophy who were homozygous for the variant (1 total point, PMIDs: 17724218, 31630094, PM3). The variant has been reported to segregate with childhood-onset severe retinal dystrophy through the proband plus 2 similarly affected relatives, with the variant present in the homozygous state (PP1_Moderate; PMID: 26352687). At least one proband harboring this variant exhibits a phenotype including clinical diagnosis of Leber congenital amaurosis (0.5 pts) with onset at age 7 months (1 pt), genotyping by targeted exome sequencing without identification of another cause of retinal disease (2 pts), extinguished electroretinogram responses from both rods (0.5 pts) and cones (1 pt), nystagmus (1 pt), photophobia (1 pt), and no visual acuity (1 pt), which together are highly specific for GUCY2D-related recessive retinopathy (total 8 points, PMID: 31630094, PP4_Moderate). The computational predictor REVEL gives a score of 0.83, which is above the ClinGen LCA/eoRD VCEP threshold of ≥0.773 and predicts a damaging effect on RetGC1 protein function (PP3_Moderate). In summary, this variant meets the criteria to be classified as likely pathogenic for GUCY2D-related recessive retinopathy based on the ACMG/AMP criteria applied, as specified by the ClinGen LCA/eoRD VCEP: PM2_Supporting, PM3, PP3_Moderate, and PP4_Moderate. (VCEP specifications version 1.0.0; date of approval 01/22/2025).

Research Institute for Ophthalmology and Vision Science, Shahid Beheshti University of Medical Sciences
Classification: Likely pathogenic for Leber congenital amaurosis. Last evaluated: 2025-12-08. Review status: criteria provided, single submitter. Criteria: ACMG Guidelines, 2015. Collection method: research. Allele origin: inherited. Inheritance: Autosomal recessive inheritance. Affected: yes. Not counted in ClinVar's aggregate classification.
Comment: This missense variant occurs infrequently in gnomAD. It has been observed to segregate within a family with multiple affected members. The in silico prediction indicates that this variant is damaging.

Genetics Laboratory, Great Ormond Street Hospital NHS Foundation Trust, North Thames Genomic Laboratory Hub
Classification: Likely pathogenic for Retinal disorders. Last evaluated: 2025-07-29. Review status: criteria provided, single submitter. Criteria: ACGS Best Practice Guidelines for Variant Classification in Rare Disease 2024 v1.2. Collection method: clinical testing. Allele origin: germline. Affected: yes. Not counted in ClinVar's aggregate classification.
Comment: PM2_moderate, PP3_supporting, PM5_moderate, PM3_supporting

Fulgent Genetics
Classification: Likely pathogenic for Leber congenital amaurosis 1; Choroidal dystrophy, central areolar, 1; Cone-rod dystrophy 6; Night blindness, congenital stationary, type1i. Last evaluated: 2024-04-09. Review status: criteria provided, single submitter. Criteria: ACMG Guidelines, 2015. Collection method: clinical testing. Allele origin: germline. Not counted in ClinVar's aggregate classification.

Labcorp Genetics (formerly Invitae), Labcorp
Classification: Pathogenic for Leber congenital amaurosis 1; Cone-rod dystrophy 6. Last evaluated: 2023-09-27. Review status: criteria provided, single submitter. Criteria: Invitae Variant Classification Sherloc (09022015). Collection method: clinical testing. Allele origin: germline. Not counted in ClinVar's aggregate classification.
Comment: For these reasons, this variant has been classified as Pathogenic. This variant disrupts the p.Arg795 amino acid residue in GUCY2D. Other variant(s) that disrupt this residue have been determined to be pathogenic (PMID: 19959640, 29178642; Invitae). This suggests that this residue is clinically significant, and that variants that disrupt this residue are likely to be disease-causing. Advanced modeling of protein sequence and biophysical properties (such as structural, functional, and spatial information, amino acid conservation, physicochemical variation, residue mobility, and thermodynamic stability) has been performed at Invitae for this missense variant, however the output from this modeling did not meet the statistical confidence thresholds required to predict the impact of this variant on GUCY2D protein function. ClinVar contains an entry for this variant (Variation ID: 596790). This missense change has been observed in individuals with autosomal recessive GUCY2D-related conditions (PMID: 17724218, 26352687). It has also been observed to segregate with disease in related individuals. This variant is not present in population databases (gnomAD no frequency). This sequence change replaces arginine, which is basic and polar, with glutamine, which is neutral and polar, at codon 795 of the GUCY2D protein (p.Arg795Gln).

Blueprint Genetics
Classification: Pathogenic for GUCY2D-related disorders. Last evaluated: 2021-02-22. Review status: criteria provided, single submitter. Criteria: ACMG Guidelines, 2015. Collection method: clinical testing. Allele origin: germline. Affected: yes. Observed: 5 variant alleles. Not counted in ClinVar's aggregate classification.

Institute of Human Genetics, Univ. Regensburg, Univ. Regensburg
Classification: Pathogenic for Retinal dystrophy. Last evaluated: 2021-01-01. Review status: criteria provided, single submitter. Criteria: ACMG Guidelines, 2015. Collection method: clinical testing. Allele origin: germline. Affected: yes. Not counted in ClinVar's aggregate classification.

Eurofins Ntd Llc (ga)
Classification: Uncertain significance. Last evaluated: 2018-04-03. Review status: criteria provided, single submitter. Criteria: EGL ClinVar v180209 classification definitions. Collection method: clinical testing. Allele origin: germline. Observed: 1 variant allele, 1 heterozygote. Not counted in ClinVar's aggregate classification.

Laboratory of Genetics in Ophthalmology, Institut Imagine
Classification: Likely pathogenic for Leber congenital amaurosis 1. Review status: no assertion criteria provided. Collection method: research. Allele origin: inherited. Affected: yes. Observed: 2 variant alleles. Not counted in ClinVar's aggregate classification.

Literature cited by the submitters: PubMed 34048777 (cited by Research Institute for Ophthalmology and Vision Science, Shahid Beheshti University of Medical Sciences and Institute of Human Genetics, Univ. Regensburg, Univ. Regensburg); PubMed 19959640 (cited by Labcorp Genetics (formerly Invitae), Labcorp); PubMed 29178642 (cited by Labcorp Genetics (formerly Invitae), Labcorp); PubMed 17724218 (cited by 4 submitters); PubMed 26352687 (cited by Labcorp Genetics (formerly Invitae), Labcorp and Eurofins Ntd Llc (ga)); PubMed 31630094 (cited by Institute of Human Genetics, Univ. Regensburg, Univ. Regensburg).